The following is an entry in ClinVar:

ClinVar aggregate classification (germline): Pathogenic. Review status: criteria provided, multiple submitters, no conflicts (2 of 4 stars). 3 submissions from 3 submitters: Pathogenic (2). 1 of the submissions does not count toward it. Last evaluated 2024-01-06.

Conditions:
Autosomal recessive congenital ichthyosis 5 (ARCI5). Also called: ICHTHYOSIS CONGENITA III; Ichthyosis, nonlamellar and nonerythrodermic, congenital, autosomal recessive. Identifiers: Orphanet 313, MedGen C1858133, MONDO:0011485, OMIM 604777.

Allele frequency attached by ClinVar (database versions not stated): ExAC 0.00002; gnomAD exomes 0.00002; TOPMed 0.00004; gnomAD 0.00006.
gnomAD v4.1: 18 of 1,613,916 alleles (0.0011%); highest among the groups gnomAD compares: African/African-American, 0.0067%; no homozygotes.

Submissions (3):

Fulgent Genetics
Classification: Pathogenic for Autosomal recessive congenital ichthyosis 5. Last evaluated: 2024-01-06. Review status: criteria provided, single submitter. Criteria: ACMG Guidelines, 2015. Collection method: clinical testing. Allele origin: germline.

GeneDx
Classification: Pathogenic. Last evaluated: 2023-02-27. Review status: criteria provided, single submitter. Criteria: GeneDx Variant Classification Process June 2021. Collection method: clinical testing. Allele origin: germline. Affected: yes.
Comment: Nonsense variant predicted to result in protein truncation or nonsense mediated decay in a gene for which loss-of-function is a known mechanism of disease; This variant is associated with the following publications: (PMID: 34908195, 24397709, 30011118)

Institute for Human Genetics, University Medical Center Freiburg
Classification: Pathogenic for Autosomal recessive congenital ichthyosis 5. Last evaluated: 2018-04-23. Review status: no assertion criteria provided. Collection method: clinical testing. Allele origin: germline. Affected: yes. Not counted in ClinVar's aggregate classification.

Literature cited by the submitters: PubMed 24397709 (cited by Institute for Human Genetics, University Medical Center Freiburg).

NM_173483.4(CYP4F22):c.976C>T (p.Arg326Ter)

Gene: CYP4F22 (cytochrome P450 family 4 subfamily F member 22; plus strand). Cytogenetic location: 19p13.12.
Variant type: single nucleotide variant.
Coding change: c.976C>T on transcript NM_173483.4 (MANE Select); coding-DNA position 976, C replaced by T.
Protein change: p.Arg326Ter; replaces arginine 326 with a stop codon.
Molecular consequence: nonsense.
Genome position (GRCh38, 1-based): chr19:15,544,007, C>T. VCF-style: chr19-15544007-C-T. GRCh37 (hg19) VCF-style: chr19-15654818-C-T.
Other names: short protein forms R326*.
Identifiers: ClinVar variation 420584 (VCV000420584.6), dbSNP rs762667660, ClinGen allele CA9269801.